The following is an entry in ClinVar:

NM_138694.4(PKHD1):c.9907A>C (p.Ser3303Arg)

Gene: PKHD1 (PKHD1 ciliary IPT domain containing fibrocystin/polyductin; minus strand). Cytogenetic location: 6p12.3.
Variant type: single nucleotide variant.
Coding change: c.9907A>C on transcript NM_138694.4 (MANE Select); coding-DNA position 9907, A replaced by C.
Protein change: p.Ser3303Arg; replaces serine 3303 with arginine.
Molecular consequence: missense variant.
Genome position (GRCh38, 1-based): chr6:51,746,812, T>G on the plus strand (A>C on the coding strand, the complement: PKHD1 is on the minus strand). VCF-style: chr6-51746812-T-G. GRCh37 (hg19) VCF-style: chr6-51611610-T-G.
Other names: c.9907A>C, p.Ser3303Arg (NM_170724.3); short protein forms S3303R.
Identifiers: ClinVar variation 4977673 (VCV004977673.1).

ClinVar aggregate classification (germline): Uncertain significance (1 of 4 stars; one submission).

Conditions:
PKHD1-related disorder. Also called: PKHD1-related condition.

Submission:

PreventionGenetics, part of Exact Sciences
Classification: Uncertain significance for PKHD1-related condition. Last evaluated: 2026-05-14. Review status: criteria provided, single submitter. Criteria: ACMG Guidelines, 2015. Collection method: clinical testing. Allele origin: germline.
Comment: The PKHD1 c.9907A>C variant is predicted to result in the amino acid substitution p.Ser3303Arg. To our knowledge, this variant has not been reported in the literature or in a large population database (gnomAD), indicating this variant is rare. At this time, the clinical significance of this variant is uncertain due to the absence of conclusive functional and genetic evidence.